The following is an entry in ClinVar:

ClinVar aggregate classification (germline): Pathogenic (1 of 4 stars; one submission).

Conditions:
Hereditary cancer-predisposing syndrome. Also called: Neoplastic Syndromes, Hereditary; Tumor predisposition; Hereditary Cancer Syndrome; Hereditary neoplastic syndrome. Identifiers: Orphanet 140162, MedGen C0027672, MeSH D009386, MONDO:0015356.

Submission:

Ambry Genetics
Classification: Pathogenic for Hereditary cancer-predisposing syndrome. Last evaluated: 2021-05-04. Review status: criteria provided, single submitter. Criteria: Ambry Variant Classification Scheme 2023. Collection method: clinical testing. Allele origin: germline.
Comment: The c.176_177insTA pathogenic mutation, located in coding exon 3 of the NBN gene, results from an insertion of two nucleotides at position 176, causing a translational frameshift with a predicted alternate stop codon (p.Q59Hfs*9). This alteration is expected to result in loss of function by premature protein truncation or nonsense-mediated mRNA decay. As such, this alteration is interpreted as a disease-causing mutation.

NM_002485.5(NBN):c.176_177insTA (p.Gln59fs)

Gene: NBN (nibrin; minus strand). Cytogenetic location: 8q21.3.
Variant type: Insertion.
Coding change: c.176_177insTA on transcript NM_002485.5 (MANE Select); coding-DNA positions 176 to 177, TA inserted.
Protein change: p.Gln59fs; shifts the reading frame from glutamine 59.
Molecular consequence: frameshift variant. On other transcripts: 5 prime UTR variant (1).
Genome position: GRCh38 VCF-style: chr8-89981518-T-TTA. GRCh37 (hg19) VCF-style: chr8-90993746-T-TTA.
Other names: c.-71_-70insTA (NM_001024688.3); c.176_177insTA (NM_002485.4); short protein forms Q59fs.
Identifiers: ClinVar variation 1779563 (VCV001779563.2), dbSNP rs2488361722, ClinGen allele CA2580079235.
Genomic context (GRCh38, chr8:89,981,518, plus strand): 5'-ATTAACAAAGGTACCATACTTAGAATTATCTTTTAATGTCAATACAGGGATTTCATCTGT[T>TTA]TGACTCTGAAAAGTTAGCAAATAATTTAAAGTCTTTTACCACTCAGTACATTCACTTCTC-3'